The following is an entry in ClinVar:

NM_198578.4(LRRK2):c.6871C>A (p.Leu2291Ile)

Gene: LRRK2 (leucine rich repeat kinase 2; plus strand). Cytogenetic location: 12q12.
Variant type: single nucleotide variant.
Coding change: c.6871C>A on transcript NM_198578.4 (MANE Select); coding-DNA position 6871, C replaced by A.
Protein change: p.Leu2291Ile; replaces leucine 2291 with isoleucine.
Molecular consequence: missense variant.
Genome position (GRCh38, 1-based): chr12:40,359,287, C>A. VCF-style: chr12-40359287-C-A. GRCh37 (hg19) VCF-style: chr12-40753089-C-A.
Other names: short protein forms L2291I.
Identifiers: ClinVar variation 2567363 (VCV002567363.2), dbSNP rs2500011952, ClinGen allele CA384411373.

ClinVar aggregate classification (germline): Uncertain significance (1 of 4 stars; one submission).

Conditions:
Inborn genetic diseases. Identifiers: MedGen C0950123, MeSH D030342.

Submission:

Ambry Genetics
Classification: Uncertain significance for Inborn genetic diseases. Last evaluated: 2023-04-16. Review status: criteria provided, single submitter. Criteria: Ambry Variant Classification Scheme 2023. Collection method: clinical testing. Allele origin: germline.
Comment: The p.L2291I variant (also known as c.6871C>A), located in coding exon 47 of the LRRK2 gene, results from a C to A substitution at nucleotide position 6871. The leucine at codon 2291 is replaced by isoleucine, an amino acid with highly similar properties. This amino acid position is conserved. In addition, this alteration is predicted to be tolerated by in silico analysis. Since supporting evidence is limited at this time, the clinical significance of this alteration remains unclear.